The following is an entry in ClinVar:

NM_020975.6(RET):c.502C>G (p.Pro168Ala)

Gene: RET (ret proto-oncogene; plus strand). Cytogenetic location: 10q11.21.
Variant type: single nucleotide variant.
Coding change: c.502C>G on transcript NM_020975.6 (MANE Select); coding-DNA position 502, C replaced by G.
Protein change: p.Pro168Ala; replaces proline 168 with alanine.
Molecular consequence: missense variant.
Genome position (GRCh38, 1-based): chr10:43,102,506, C>G. VCF-style: chr10-43102506-C-G. GRCh37 (hg19) VCF-style: chr10-43597954-C-G.
Other names: c.502C>G, p.Pro168Ala (NM_000323.2, NM_001406743.1, NM_001406744.1 and 16 more transcripts); c.373C>G, p.Pro125Ala (NM_001406761.1, NM_001406762.1, NM_001406764.1 and 4 more transcripts); short protein forms P125A, P168A.
Identifiers: ClinVar variation 2305464 (VCV002305464.3), dbSNP rs748609507, ClinGen allele CA376543283.

ClinVar aggregate classification (germline): Uncertain significance (1 of 4 stars; one submission).

Conditions:
Hereditary cancer-predisposing syndrome. Also called: Neoplastic Syndromes, Hereditary; Tumor predisposition; Hereditary neoplastic syndrome; Hereditary Cancer Syndrome. Identifiers: Orphanet 140162, MedGen C0027672, MeSH D009386, MONDO:0015356.

Submission:

Ambry Genetics
Classification: Uncertain significance for Hereditary cancer-predisposing syndrome. Last evaluated: 2026-09-11. Review status: criteria provided, single submitter. Criteria: Ambry Variant Classification Scheme 2023. Collection method: clinical testing. Allele origin: germline.
Comment: The p.P168A variant (also known as c.502C>G), located in coding exon 3 of the RET gene, results from a C to G substitution at nucleotide position 502. The proline at codon 168 is replaced by alanine, an amino acid with highly similar properties. This amino acid position is conserved. In addition, this alteration is predicted to be tolerated by in silico analysis. Based on the available evidence, the clinical significance of this variant remains unclear.